The following is an entry in ClinVar:

NM_021629.4(GNB4):c.796C>T (p.His266Tyr)

Gene: GNB4 (G protein subunit beta 4; minus strand). Cytogenetic location: 3q26.33.
Variant type: single nucleotide variant.
Coding change: c.796C>T on transcript NM_021629.4 (MANE Select); coding-DNA position 796, C replaced by T.
Protein change: p.His266Tyr; replaces histidine 266 with tyrosine.
Molecular consequence: missense variant.
Genome position (GRCh38, 1-based): chr3:179,405,310, G>A on the plus strand (C>T on the coding strand, the complement: GNB4 is on the minus strand). VCF-style: chr3-179405310-G-A. GRCh37 (hg19) VCF-style: chr3-179123098-G-A.
Other names: short protein forms H266Y.
Identifiers: ClinVar variation 3642887 (VCV003642887.2).
Genomic context (GRCh38, chr3:179,405,310, plus strand): 5'-ACAAGAGACGCCCACTTTTTGAGAAGGCTACAGAAGTGATTCCACAGATGATATTGTCAT[G>A]AGAATACAATAATAACTCTTGATCTGCACGAAGGTCAAAGAGCCGGCAAGTGGCATCATC-3'
Protein context (NP_067642.1, residues 256-276): RADQELLLYS[His266Tyr]DNIICGITSV

ClinVar aggregate classification (germline): Uncertain significance (1 of 4 stars; one submission).

Conditions:
Charcot-Marie-Tooth disease dominant intermediate F. Identifiers: Orphanet 352670, MedGen C4749463, MONDO:0014074, OMIM 615185.

Submission:

Labcorp Genetics (formerly Invitae), Labcorp
Classification: Uncertain significance for Charcot-Marie-Tooth disease dominant intermediate F. Last evaluated: 2024-02-23. Review status: criteria provided, single submitter. Criteria: Invitae Variant Classification Sherloc (09022015). Collection method: clinical testing. Allele origin: germline.
Comment: This sequence change replaces histidine, which is basic and polar, with tyrosine, which is neutral and polar, at codon 266 of the GNB4 protein (p.His266Tyr). This variant is not present in population databases (gnomAD no frequency). This variant has not been reported in the literature in individuals affected with GNB4-related conditions. Advanced modeling of protein sequence and biophysical properties (such as structural, functional, and spatial information, amino acid conservation, physicochemical variation, residue mobility, and thermodynamic stability) performed at Invitae indicates that this missense variant is not expected to disrupt GNB4 protein function with a negative predictive value of 80%. In summary, the available evidence is currently insufficient to determine the role of this variant in disease. Therefore, it has been classified as a Variant of Uncertain Significance.